The following is an entry in ClinVar:

ClinVar aggregate classification (germline): Uncertain significance. Review status: criteria provided, multiple submitters, no conflicts (2 of 4 stars). 2 submissions from 2 submitters: Uncertain significance (2). Last evaluated 2024-12-08.

Allele frequency attached by ClinVar (database versions not stated): ExAC 0.00001; gnomAD 0.00001; TOPMed 0.00001; gnomAD exomes 0.00002.
gnomAD v4.1: 29 of 1,613,454 alleles (0.0018%); highest among the groups gnomAD compares: Non-Finnish European, 0.002%; no homozygotes.

Submissions (2):

Labcorp Genetics (formerly Invitae), Labcorp
Classification: Uncertain significance. Last evaluated: 2024-12-08. Review status: criteria provided, single submitter. Criteria: Invitae Variant Classification Sherloc (09022015). Collection method: clinical testing. Allele origin: germline.
Comment: This sequence change replaces leucine, which is neutral and non-polar, with valine, which is neutral and non-polar, at codon 51 of the CLCN6 protein (p.Leu51Val). This variant is present in population databases (rs779413776, gnomAD 0.003%). This variant has not been reported in the literature in individuals affected with CLCN6-related conditions. ClinVar contains an entry for this variant (Variation ID: 1951589). An algorithm developed to predict the effect of missense changes on protein structure and function (PolyPhen-2) suggests that this variant is likely to be disruptive. In summary, the available evidence is currently insufficient to determine the role of this variant in disease. Therefore, it has been classified as a Variant of Uncertain Significance.

Ambry Genetics
Classification: Uncertain significance. Last evaluated: 2022-08-30. Review status: criteria provided, single submitter. Criteria: Ambry Variant Classification Scheme 2023. Collection method: clinical testing. Allele origin: germline.

NM_001286.5(CLCN6):c.151T>G (p.Leu51Val)

Gene: CLCN6 (chloride voltage-gated channel 6; plus strand). Cytogenetic location: 1p36.22.
Variant type: single nucleotide variant.
Coding change: c.151T>G on transcript NM_001286.5 (MANE Select); coding-DNA position 151, T replaced by G.
Protein change: p.Leu51Val; replaces leucine 51 with valine.
Molecular consequence: missense variant. On other transcripts: non-coding transcript variant (1), intron variant (1).
Genome position (GRCh38, 1-based): chr1:11,815,849, T>G. VCF-style: chr1-11815849-T-G. GRCh37 (hg19) VCF-style: chr1-11875906-T-G.
Other names: c.148-766T>G (NM_001256959.2); short protein forms L51V.
Identifiers: ClinVar variation 1951589 (VCV001951589.6), dbSNP rs779413776, ClinGen allele CA595915.